The following is an entry in ClinVar:

NM_181882.3(PRX):c.4094A>G (p.Glu1365Gly)

Gene: PRX (periaxin; minus strand). Cytogenetic location: 19q13.2.
Variant type: single nucleotide variant.
Coding change: c.4094A>G on transcript NM_181882.3 (MANE Select); coding-DNA position 4094, A replaced by G.
Protein change: p.Glu1365Gly; replaces glutamic acid 1365 with glycine.
Molecular consequence: missense variant. On other transcripts: 3 prime UTR variant (1).
Genome position (GRCh38, 1-based): chr19:40,394,258, T>C on the plus strand (A>G on the coding strand, the complement: PRX is on the minus strand). VCF-style: chr19-40394258-T-C. GRCh37 (hg19) VCF-style: chr19-40900165-T-C.
Other names: c.4379A>G, p.Glu1460Gly (NM_001411127.1); c.*4299A>G (NM_020956.2); short protein forms E1365G, E1460G.
Identifiers: ClinVar variation 4753509 (VCV004753509.1).
Genomic context (GRCh38, chr19:40,394,258, plus strand): 5'-GCCGCCAGGCCTACACGTGGCAAGCGGACCCGGACCCGGCCCCGGCGACCCGAGGCCCCT[T>C]CCCCACTGCCCTCTTCCTCCTCCTCCTCCTCCTCCTCGGGGCTGGGGGACCCTTCCCCAG-3'
Protein context (NP_870998.2, residues 1355-1375): EEEEEEEGSG[Glu1365Gly]GASGRRGRVR

ClinVar aggregate classification (germline): Uncertain significance (1 of 4 stars; one submission).

Conditions:
Charcot-Marie-Tooth disease type 4. Also called: Charcot-Marie-Tooth, Type 4; Charcot-Marie-Tooth disease, type IV. Identifiers: Orphanet 64749, MedGen C4082197, MONDO:0018995.

gnomAD v4.1: 2 of 1,609,730 alleles (0.00012%); highest among the groups gnomAD compares: Non-Finnish European, 0.00017%; no homozygotes.

Submission:

Labcorp Genetics (formerly Invitae), Labcorp
Classification: Uncertain significance for Charcot-Marie-Tooth disease type 4. Last evaluated: 2025-04-20. Review status: criteria provided, single submitter. Criteria: Invitae Variant Classification Sherloc (09022015). Collection method: clinical testing. Allele origin: germline.
Comment: This sequence change replaces glutamic acid, which is acidic and polar, with glycine, which is neutral and non-polar, at codon 1365 of the PRX protein (p.Glu1365Gly). This variant is present in population databases (no rsID available, gnomAD 0.007%). This variant has not been reported in the literature in individuals affected with PRX-related conditions. Invitae Evidence Modeling of protein sequence and biophysical properties (such as structural, functional, and spatial information, amino acid conservation, physicochemical variation, residue mobility, and thermodynamic stability) indicates that this missense variant is not expected to disrupt PRX protein function with a negative predictive value of 80%. In summary, the available evidence is currently insufficient to determine the role of this variant in disease. Therefore, it has been classified as a Variant of Uncertain Significance.